The following is an entry in ClinVar:

ClinVar aggregate classification (germline): Uncertain significance (1 of 4 stars; one submission).

Conditions:
Bardet-Biedl syndrome (BBS). Identifiers: Orphanet 110, MedGen C0752166, MONDO:0015229.

Submission:

Labcorp Genetics (formerly Invitae), Labcorp
Classification: Uncertain significance for Bardet-Biedl syndrome. Last evaluated: 2023-04-28. Review status: criteria provided, single submitter. Criteria: Invitae Variant Classification Sherloc (09022015). Collection method: clinical testing. Allele origin: germline.
Comment: In summary, the available evidence is currently insufficient to determine the role of this variant in disease. Therefore, it has been classified as a Variant of Uncertain Significance. Variants that disrupt the consensus splice site are a relatively common cause of aberrant splicing (PMID: 17576681, 9536098). This variant has not been reported in the literature in individuals affected with BBS2-related conditions. Information on the frequency of this variant in the gnomAD database is not available, as this variant may be reported differently in the database. This sequence change falls in intron 11 of the BBS2 gene. It does not directly change the encoded amino acid sequence of the BBS2 protein. It affects a nucleotide within the consensus splice site.

Literature cited by the submitters: PubMed 17576681; PubMed 9536098.

NM_031885.5(BBS2):c.1397+6_1397+10delinsTAAAG

Gene: BBS2 (Bardet-Biedl syndrome 2; minus strand). Cytogenetic location: 16q13.
Variant type: Indel.
Coding change: c.1397+6_1397+10delinsTAAAG on transcript NM_031885.5 (MANE Select); bases 6 to 10 of the intron after coding-DNA position 1397, CCTTT replaced by TAAAG.
Molecular consequence: intron variant.
Genome position (GRCh38, 1-based): chr16:56,500,844-56,500,848, AAAGG replaced by CTTTA on the plus strand (CCTTT replaced by TAAAG on the coding strand, the reverse complement: BBS2 is on the minus strand). VCF-style: chr16-56500844-AAAGG-CTTTA. GRCh37 (hg19) VCF-style: chr16-56534756-AAAGG-CTTTA.
Other names: c.1397+6_1397+10delinsTAAAG (NM_001377456.1).
Identifiers: ClinVar variation 2860433 (VCV002860433.3), dbSNP rs2543707338, ClinGen allele CA2739266801.